The following is an entry in ClinVar:

ClinVar aggregate classification (germline): Uncertain significance. Review status: criteria provided, multiple submitters, no conflicts (2 of 4 stars). 2 submissions from 2 submitters: Uncertain significance (2). Last evaluated 2022-06-04.

Conditions:
Inborn genetic diseases. Identifiers: MedGen C0950123, MeSH D030342.
Giant axonal neuropathy 1 (GAN1). Also called: GIANT AXONAL NEUROPATHY 1, AUTOSOMAL RECESSIVE; GAN-Related Neurodegeneration. Identifiers: Orphanet 643, MedGen C1850386, MONDO:0009749, OMIM 256850.

Allele frequency attached by ClinVar (database versions not stated): gnomAD 0.00001 and 0.00004; gnomAD exomes 0.00001 and 0.00002; TOPMed 0.00001; ExAC 0.00003; ESP Exome Variant Server 0.00008; 1000 Genomes Project 30x 0.00016; 1000 Genomes Project 0.00020.
gnomAD v4.1: 24 of 1,613,878 alleles (0.0015%); highest among the groups gnomAD compares: South Asian, 0.011%; no homozygotes.

Submissions (2):

Labcorp Genetics (formerly Invitae), Labcorp
Classification: Uncertain significance for Giant axonal neuropathy 1. Last evaluated: 2022-06-04. Review status: criteria provided, single submitter. Criteria: Invitae Variant Classification Sherloc (09022015). Collection method: clinical testing. Allele origin: germline.
Comment: In summary, the available evidence is currently insufficient to determine the role of this variant in disease. Therefore, it has been classified as a Variant of Uncertain Significance. Algorithms developed to predict the effect of missense changes on protein structure and function (SIFT, PolyPhen-2, Align-GVGD) all suggest that this variant is likely to be tolerated. ClinVar contains an entry for this variant (Variation ID: 576442). This variant has not been reported in the literature in individuals affected with GAN-related conditions. This variant is present in population databases (rs377034780, gnomAD 0.01%). This sequence change replaces cysteine, which is neutral and slightly polar, with tyrosine, which is neutral and polar, at codon 248 of the GAN protein (p.Cys248Tyr).

Ambry Genetics
Classification: Uncertain significance for Inborn genetic diseases. Last evaluated: 2021-07-15. Review status: criteria provided, single submitter. Criteria: Ambry Variant Classification Scheme 2023. Collection method: clinical testing. Allele origin: germline.

NM_022041.4(GAN):c.743G>A (p.Cys248Tyr)

Gene: GAN (gigaxonin; plus strand). Cytogenetic location: 16q23.2.
Variant type: single nucleotide variant.
Coding change: c.743G>A on transcript NM_022041.4 (MANE Select); coding-DNA position 743, G replaced by A.
Protein change: p.Cys248Tyr; replaces cysteine 248 with tyrosine.
Molecular consequence: missense variant.
Genome position (GRCh38, 1-based): chr16:81,356,894, G>A. VCF-style: chr16-81356894-G-A. GRCh37 (hg19) VCF-style: chr16-81390499-G-A.
Other names: c.104G>A, p.Cys35Tyr (NM_001377486.1); short protein forms C248Y, C35Y.
Identifiers: ClinVar variation 576442 (VCV000576442.9), dbSNP rs377034780, ClinGen allele CA8191461.